The following is an entry in ClinVar:

NM_004104.5(FASN):c.7496G>T (p.Ser2499Ile)

Gene: FASN (fatty acid synthase; minus strand). Cytogenetic location: 17q25.3.
Variant type: single nucleotide variant.
Coding change: c.7496G>T on transcript NM_004104.5 (MANE Select); coding-DNA position 7496, G replaced by T.
Protein change: p.Ser2499Ile; replaces serine 2499 with isoleucine.
Molecular consequence: missense variant.
Genome position (GRCh38, 1-based): chr17:82,079,183, C>A on the plus strand (G>T on the coding strand, the complement: FASN is on the minus strand). VCF-style: chr17-82079183-C-A. GRCh37 (hg19) VCF-style: chr17-80037059-C-A.
Other names: short protein forms S2499I.
Identifiers: ClinVar variation 2862888 (VCV002862888.3), dbSNP rs1352141174, ClinGen allele CA401593987.

ClinVar aggregate classification (germline): Uncertain significance (1 of 4 stars; one submission).

Conditions:
Epileptic encephalopathy. Identifiers: MedGen C0543888, HP:0200134.

Submission:

Labcorp Genetics (formerly Invitae), Labcorp
Classification: Uncertain significance for Epileptic encephalopathy. Last evaluated: 2023-06-29. Review status: criteria provided, single submitter. Criteria: Invitae Variant Classification Sherloc (09022015). Collection method: clinical testing. Allele origin: germline.
Comment: This sequence change replaces serine, which is neutral and polar, with isoleucine, which is neutral and non-polar, at codon 2499 of the FASN protein (p.Ser2499Ile). This variant is not present in population databases (gnomAD no frequency). This variant has not been reported in the literature in individuals affected with FASN-related conditions. An algorithm developed to predict the effect of missense changes on protein structure and function (PolyPhen-2) suggests that this variant is likely to be disruptive. In summary, the available evidence is currently insufficient to determine the role of this variant in disease. Therefore, it has been classified as a Variant of Uncertain Significance.